The following is an entry in ClinVar:

NM_000018.4(ACADVL):c.1093A>G (p.Asn365Asp)

Gene: ACADVL (acyl-CoA dehydrogenase very long chain; plus strand). Cytogenetic location: 17p13.1.
Variant type: single nucleotide variant.
Coding change: c.1093A>G on transcript NM_000018.4 (MANE Select); coding-DNA position 1093, A replaced by G.
Protein change: p.Asn365Asp; replaces asparagine 365 with aspartic acid.
Molecular consequence: missense variant.
Genome position (GRCh38, 1-based): chr17:7,223,148, A>G. VCF-style: chr17-7223148-A-G. GRCh37 (hg19) VCF-style: chr17-7126467-A-G.
Other names: c.1027A>G, p.Asn343Asp (NM_001033859.3); c.1162A>G, p.Asn388Asp (NM_001270447.2); c.865A>G, p.Asn289Asp (NM_001270448.2); short protein forms N289D, N343D, N365D, N388D.
Identifiers: ClinVar variation 1431098 (VCV001431098.3), dbSNP rs988045058, ClinGen allele CA287437941.
Genomic context (GRCh38, chr17:7,223,148, plus strand): 5'-CAGAACCACACTGAACCACAGCGGGATGTGTGGACCCTCTTCCAGGTAGATCATGCCACT[A>G]ATCGTACCCAGTTTGGGGAGAAAATTCACAACTTTGGGCTGATCCAGGAGAAGCTGGCAC-3'
Protein context (NP_000009.1, residues 355-375): IIAKAVDHAT[Asn365Asp]RTQFGEKIHN

ClinVar aggregate classification (germline): Uncertain significance (1 of 4 stars; one submission).

Conditions:
Very long chain acyl-CoA dehydrogenase deficiency (ACADVLD). Also called: Very Long-Chain Acyl-Coenzyme A Dehydrogenase Deficiency; VLCAD Deficiency. Identifiers: Orphanet 26793, MedGen C3887523, MONDO:0008723, OMIM 201475.

Allele frequency attached by ClinVar (database versions not stated): gnomAD exomes below 0.00001.
gnomAD v4.1: 3 of 1,613,740 alleles (0.00019%); highest among the groups gnomAD compares: Non-Finnish European, 0.00025%; no homozygotes.

Submission:

Labcorp Genetics (formerly Invitae), Labcorp
Classification: Uncertain significance for Very long chain acyl-CoA dehydrogenase deficiency. Last evaluated: 2021-08-12. Review status: criteria provided, single submitter. Criteria: Invitae Variant Classification Sherloc (09022015). Collection method: clinical testing. Allele origin: germline.
Comment: This sequence change replaces asparagine with aspartic acid at codon 365 of the ACADVL protein (p.Asn365Asp). The asparagine residue is highly conserved and there is a small physicochemical difference between asparagine and aspartic acid. This variant is not present in population databases (ExAC no frequency). This variant has not been reported in the literature in individuals affected with ACADVL-related conditions. Algorithms developed to predict the effect of missense changes on protein structure and function are either unavailable or do not agree on the potential impact of this missense change (SIFT: "Tolerated"; PolyPhen-2: "Possibly Damaging"; Align-GVGD: "Class C0"). In summary, the available evidence is currently insufficient to determine the role of this variant in disease. Therefore, it has been classified as a Variant of Uncertain Significance.